The following is an entry in ClinVar:

NM_004035.7(ACOX1):c.521A>G (p.Lys174Arg)

Gene: ACOX1 (acyl-CoA oxidase 1; minus strand). Cytogenetic location: 17q25.1.
Variant type: single nucleotide variant.
Coding change: c.521A>G on transcript NM_004035.7 (MANE Select); coding-DNA position 521, A replaced by G.
Protein change: p.Lys174Arg; replaces lysine 174 with arginine.
Molecular consequence: missense variant.
Genome position (GRCh38, 1-based): chr17:75,957,476, T>C on the plus strand (A>G on the coding strand, the complement: ACOX1 is on the minus strand). VCF-style: chr17-75957476-T-C. GRCh37 (hg19) VCF-style: chr17-73953557-T-C.
Other names: c.407A>G, p.Lys136Arg (NM_001185039.2); c.521A>G, p.Lys174Arg (NM_007292.6); short protein forms K136R, K174R.
Identifiers: ClinVar variation 1033629 (VCV001033629.3), dbSNP rs2065844122, ClinGen allele CA401068876.

ClinVar aggregate classification (germline): Uncertain significance. Review status: criteria provided, multiple submitters, no conflicts (2 of 4 stars). 2 submissions from 2 submitters: Uncertain significance (2). Last evaluated 2024-07-06.

Conditions:
Acyl-CoA oxidase deficiency. Also called: STRAIGHT-CHAIN ACYL-CoA OXIDASE DEFICIENCY; Pseudoneonatal adrenoleukodystrophy; Peroxisomal acyl-CoA oxidase deficiency. Identifiers: Orphanet 2971, MedGen C1849678, MONDO:0009919, OMIM 264470. Disease mechanism: loss of function.

Allele frequency attached by ClinVar (database versions not stated): gnomAD exomes below 0.00001.

Submissions (2):

Labcorp Genetics (formerly Invitae), Labcorp
Classification: Uncertain significance for Acyl-CoA oxidase deficiency. Last evaluated: 2024-07-06. Review status: criteria provided, single submitter. Criteria: Invitae Variant Classification Sherloc (09022015). Collection method: clinical testing. Allele origin: germline.
Comment: This sequence change replaces lysine, which is basic and polar, with arginine, which is basic and polar, at codon 174 of the ACOX1 protein (p.Lys174Arg). This variant is not present in population databases (gnomAD no frequency). This variant has not been reported in the literature in individuals affected with ACOX1-related conditions. ClinVar contains an entry for this variant (Variation ID: 1033629). Advanced modeling of protein sequence and biophysical properties (such as structural, functional, and spatial information, amino acid conservation, physicochemical variation, residue mobility, and thermodynamic stability) performed at Invitae indicates that this missense variant is expected to disrupt ACOX1 protein function with a positive predictive value of 80%. In summary, the available evidence is currently insufficient to determine the role of this variant in disease. Therefore, it has been classified as a Variant of Uncertain Significance.

Baylor Genetics
Classification: Uncertain significance for Acyl-CoA oxidase deficiency. Last evaluated: 2018-07-02. Review status: criteria provided, single submitter. Criteria: ACMG Guidelines, 2015. Collection method: clinical testing. Allele origin: maternal. Affected: yes.
Comment: This variant was determined to be of uncertain significance according to ACMG Guidelines, 2015 [PMID:25741868].